The following is an entry in ClinVar:

NM_001197104.2(KMT2A):c.5891C>T (p.Ala1964Val)

Gene: KMT2A (lysine methyltransferase 2A; plus strand). Cytogenetic location: 11q23.3.
Variant type: single nucleotide variant.
Coding change: c.5891C>T on transcript NM_001197104.2 (MANE Select); coding-DNA position 5891, C replaced by T.
Protein change: p.Ala1964Val; replaces alanine 1964 with valine.
Molecular consequence: missense variant.
Genome position (GRCh38, 1-based): chr11:118,498,458, C>T. VCF-style: chr11-118498458-C-T. GRCh37 (hg19) VCF-style: chr11-118369173-C-T.
Other names: c.5981C>T, p.Ala1994Val (NM_001412597.1); c.5882C>T, p.Ala1961Val (NM_005933.4); short protein forms A1961V, A1964V, A1994V.
Identifiers: ClinVar variation 4800546 (VCV004800546.1).

ClinVar aggregate classification (germline): Uncertain significance (1 of 4 stars; one submission).

gnomAD v4.1: 3 of 1,613,396 alleles (0.00019%); highest among the groups gnomAD compares: East Asian, 0.0067%; no homozygotes.

Submission:

Labcorp Genetics (formerly Invitae), Labcorp
Classification: Uncertain significance. Last evaluated: 2025-09-09. Review status: criteria provided, single submitter. Criteria: Invitae Variant Classification Sherloc (09022015). Collection method: clinical testing. Allele origin: germline.
Comment: This sequence change replaces alanine, which is neutral and non-polar, with valine, which is neutral and non-polar, at codon 1964 of the KMT2A protein (p.Ala1964Val). This variant is not present in population databases (gnomAD no frequency). This variant has not been reported in the literature in individuals affected with KMT2A-related conditions. Invitae Evidence Modeling of protein sequence and biophysical properties (such as structural, functional, and spatial information, amino acid conservation, physicochemical variation, residue mobility, and thermodynamic stability) indicates that this missense variant is not expected to disrupt KMT2A protein function with a negative predictive value of 95%. In summary, the available evidence is currently insufficient to determine the role of this variant in disease. Therefore, it has been classified as a Variant of Uncertain Significance.